The following is an entry in ClinVar:

NM_152564.5(VPS13B):c.3762G>C (p.Glu1254Asp)

Gene: VPS13B (vacuolar protein sorting 13 homolog B; plus strand). Cytogenetic location: 8q22.2.
Variant type: single nucleotide variant.
Coding change: c.3762G>C on transcript NM_152564.5 (MANE Select); coding-DNA position 3762, G replaced by C.
Protein change: p.Glu1254Asp; replaces glutamic acid 1254 with aspartic acid.
Molecular consequence: missense variant.
Genome position (GRCh38, 1-based): chr8:99,481,694, G>C. VCF-style: chr8-99481694-G-C. GRCh37 (hg19) VCF-style: chr8-100493922-G-C.
Other names: c.3762G>C (NM_152564.4); c.3762G>C, p.Glu1254Asp (NM_017890.5); short protein forms E1254D.
Identifiers: ClinVar variation 859466 (VCV000859466.4), dbSNP rs751944327, ClinGen allele CA4823331.
Genomic context (GRCh38, chr8:99,481,694, plus strand): 5'-TAAGGTCTGGAACAAGATTCAGAAGAGAGGCAATCTCAACCTATCTCCAACCTCTCCAGA[G>C]ACCATGGCAGGGCCTGTTCCTACTTCTCCAGTTAGAAGCAGTATAGGCACAGCTCCTCCA-3'
Protein context (NP_689777.3, residues 1244-1264): GNLNLSPTSP[Glu1254Asp]TMAGPVPTSP

ClinVar aggregate classification (germline): Uncertain significance. Review status: criteria provided, single submitter (1 of 4 stars). 2 submissions from 2 submitters: Uncertain significance (1). 1 of the submissions does not count toward it. Last evaluated 2025-10-16.

Conditions:
VPS13B-related disorder. Also called: VPS13B-related condition.
Cohen syndrome (COH1). Also called: PEPPER SYNDROME; Cutis verticis gyrata, retinitis pigmentosa, and sensorineural deafness. Identifiers: Orphanet 193, MedGen C0265223, MONDO:0008999, OMIM 216550.

Allele frequency attached by ClinVar (database versions not stated): gnomAD 0.00001; gnomAD exomes 0.00001 and 0.00004; TOPMed 0.00001; ExAC 0.00003.
gnomAD v4.1: 20 of 1,613,894 alleles (0.0012%); highest among the groups gnomAD compares: Non-Finnish European, 0.000085%; no homozygotes.

Submissions (2):

Labcorp Genetics (formerly Invitae), Labcorp
Classification: Uncertain significance for Cohen syndrome. Last evaluated: 2025-10-16. Review status: criteria provided, single submitter. Criteria: Invitae Variant Classification Sherloc (09022015). Collection method: clinical testing. Allele origin: germline.
Comment: This sequence change replaces glutamic acid, which is acidic and polar, with aspartic acid, which is acidic and polar, at codon 1254 of the VPS13B protein (p.Glu1254Asp). This variant is present in population databases (rs751944327, gnomAD 0.09%). This variant has not been reported in the literature in individuals affected with VPS13B-related conditions. ClinVar contains an entry for this variant (Variation ID: 859466). Invitae Evidence Modeling of protein sequence and biophysical properties (such as structural, functional, and spatial information, amino acid conservation, physicochemical variation, residue mobility, and thermodynamic stability) indicates that this missense variant is not expected to disrupt VPS13B protein function with a negative predictive value of 80%. In summary, the available evidence is currently insufficient to determine the role of this variant in disease. Therefore, it has been classified as a Variant of Uncertain Significance.

PreventionGenetics, part of Exact Sciences
Classification: Uncertain significance for VPS13B-related condition. Last evaluated: 2024-02-07. Review status: no assertion criteria provided. Collection method: clinical testing. Allele origin: germline. Not counted in ClinVar's aggregate classification.
Comment: The VPS13B c.3762G>C variant is predicted to result in the amino acid substitution p.Glu1254Asp. To our knowledge, this variant has not been reported in the literature. This variant is reported in 0.089% of alleles in individuals of Ashkenazi Jewish descent in gnomAD. At this time, the clinical significance of this variant is uncertain due to the absence of conclusive functional and genetic evidence.